The following is an entry in ClinVar:

NM_138691.3(TMC1):c.800del (p.Gly267fs)

Gene: TMC1 (transmembrane channel like 1; plus strand). Cytogenetic location: 9q21.13.
Variant type: Deletion.
Coding change: c.800del on transcript NM_138691.3 (MANE Select); coding-DNA position 800, one base deleted (G; older notation c.800delG).
Protein change: p.Gly267fs; shifts the reading frame from glycine 267.
Molecular consequence: frameshift variant.
Genome position (GRCh38, 1-based): chr9:72,772,471, G deleted; the last of 2 consecutive G bases (chr9:72,772,470-72,772,471); deleting either gives the same sequence. VCF-style (leftmost placement, unchanged base first): chr9-72772469-TG-T. GRCh37 (hg19) VCF-style: chr9-75387385-TG-T.
Other names: c.800del (NM_138691.2); short protein forms G267fs.
Identifiers: ClinVar variation 4884284 (VCV004884284.3).

ClinVar aggregate classification (germline): Pathogenic/Likely pathogenic. Review status: criteria provided, multiple submitters, no conflicts (2 of 4 stars). 2 submissions from 2 submitters: Pathogenic (1); Likely pathogenic (1). Last evaluated 2026-04-27.

Submissions (2):

Dasa
Classification: Likely pathogenic. Last evaluated: 2026-04-27. Review status: criteria provided, single submitter. Criteria: DASA Assertion Criteria. Collection method: clinical testing. Allele origin: germline.
Comment: NM_138691.3(TMC1):c.800del (p.Gly267Aspfs*3) is a frameshift variant in TMC1 predicted to alter the reading frame and introduce a premature termination codon and is predicted to result in an absent or altered protein product. Loss of function is an established disease mechanism for TMC1-associated disorders. Also, this variant is rare in population databases. Based on the currently available evidence, this variant is classified as likely pathogenic.

GeneDx
Classification: Pathogenic. Last evaluated: 2026-04-03. Review status: criteria provided, single submitter. Criteria: GeneDx Variant Classification Process June 2021. Collection method: clinical testing. Allele origin: germline.
Comment: Frameshift variant predicted to result in protein truncation or nonsense mediated decay in a gene for which loss of function is a known mechanism of disease; Not observed at significant frequency in large population cohorts (gnomAD); Has not been previously published as pathogenic or benign to our knowledge